The following is an entry in ClinVar:

ClinVar aggregate classification (germline): Pathogenic (1 of 4 stars; one submission).

Conditions:
Glycogen storage disease, type VII (GSD7). Also called: GSD VII; MUSCLE PHOSPHOFRUCTOKINASE DEFICIENCY; PFKM DEFICIENCY; TARUI DISEASE. Identifiers: Orphanet 371, MedGen C0017926, MONDO:0009295, OMIM 232800.

Submission:

Myriad Genetics, Inc.
Classification: Pathogenic for Glycogen storage disease, type VII. Last evaluated: 2024-01-08. Review status: criteria provided, single submitter. Criteria: Myriad Autosomal Dominant, Autosomal Recessive and X-Linked Classification Criteria (2023). Collection method: clinical testing. Allele origin: unknown.
Comment: NM_001166686.1(PFKM):c.1502delG(G501Afs*19) is expected to be pathogenic in the context of glycogen storage disease, PFKM-related. This variant is predicted to lead to an abnormal or absent protein product due to the creation of a premature termination codon in PFKM, a gene where loss-of-function variants are known to be pathogenic. Please note: this variant was assessed in the context of healthy population screening.

NM_000289.6(PFKM):c.1289del (p.Gly430fs)

Gene: PFKM (phosphofructokinase, muscle; plus strand). Cytogenetic location: 12q13.11.
Variant type: Deletion.
Coding change: c.1289del on transcript NM_000289.6 (MANE Select); coding-DNA position 1289, one base deleted (G; older notation c.1289delG).
Protein change: p.Gly430fs; shifts the reading frame from glycine 430.
Molecular consequence: frameshift variant. On other transcripts: non-coding transcript variant (6).
Genome position (GRCh38, 1-based): chr12:48,140,819, G deleted; the last of 3 consecutive G bases (chr12:48,140,817-48,140,819); deleting any one gives the same sequence. VCF-style (leftmost placement, unchanged base first): chr12-48140816-AG-A. GRCh37 (hg19) VCF-style: chr12-48534599-AG-A.
Other names: c.1502del, p.Gly501fs (NM_001166686.2, NM_001354737.1, NM_001354738.1 and 1 more transcripts); c.1289del, p.Gly430fs (NM_001166687.2, NM_001166688.2, NM_001354742.2 and 2 more transcripts); c.1598del, p.Gly533fs (NM_001354735.1, NM_001354736.1); c.1433del, p.Gly478fs (NM_001354740.1); c.1313del, p.Gly438fs (NM_001354741.2); c.1202del, p.Gly401fs (NM_001354745.2); c.1163del, p.Gly388fs (NM_001354746.2); c.1139del, p.Gly380fs (NM_001354747.2, NM_001354748.2); and 2 more; short protein forms G380fs, G388fs, G399fs, G401fs, G430fs, G438fs, G470fs, G478fs.
Identifiers: ClinVar variation 5012634 (VCV005012634.1).